The following is an entry in ClinVar:

NM_002693.3(POLG):c.915C>T (p.Ser305=)

Gene: POLG (DNA polymerase gamma, catalytic subunit; minus strand). Cytogenetic location: 15q26.1.
Variant type: single nucleotide variant.
Coding change: c.915C>T on transcript NM_002693.3 (MANE Select); coding-DNA position 915, C replaced by T.
Protein change: p.Ser305=; no amino-acid change (serine 305 retained).
Molecular consequence: synonymous variant.
Genome position (GRCh38, 1-based): chr15:89,329,051, G>A on the plus strand (C>T on the coding strand, the complement: POLG is on the minus strand). VCF-style: chr15-89329051-G-A. GRCh37 (hg19) VCF-style: chr15-89872282-G-A.
Other names: c.915C>T, p.Ser305= (NM_001126131.2).
Identifiers: ClinVar variation 2581209 (VCV002581209.1), dbSNP rs769410130, ClinGen allele CA7725000.

ClinVar aggregate classification (germline): Likely benign (1 of 4 stars; one submission).

Allele frequency attached by ClinVar (database versions not stated): ExAC 0.00001.
gnomAD v4.1: 3 of 1,613,194 alleles (0.00019%); highest among the groups gnomAD compares: Non-Finnish European, 0.00025%; no homozygotes.

Submission:

Women's Health and Genetics/Laboratory Corporation of America, LabCorp
Classification: Likely benign. Last evaluated: 2023-08-02. Review status: criteria provided, single submitter. Criteria: LabCorp Variant Classification Summary - May 2015. Collection method: clinical testing. Allele origin: germline.
Comment: Variant summary: POLG c.915C>T alters a non-conserved nucleotide resulting in a synonymous change. Computational tools predict no significant impact on normal splicing. However, these predictions have yet to be confirmed by functional studies. The variant allele was found at a frequency of 8.1e-06 in 247578 control chromosomes (gnomAD). The available data on variant occurrences in the general population are insufficient to allow any conclusion about variant significance. To our knowledge, no occurrence of c.915C>T in individuals affected with Mitochondrial DNA Depletion Syndrome - POLG Related and no experimental evidence demonstrating its impact on protein function have been reported. No submitters have cited clinical-significance assessments for this variant to ClinVar after 2014. Based on the evidence outlined above, the variant was classified as likely benign.